The following is an entry in ClinVar:

ClinVar aggregate classification (germline): Pathogenic. Review status: criteria provided, multiple submitters, no conflicts (2 of 4 stars). 2 submissions from 2 submitters: Pathogenic (2). Last evaluated 2024-10-18.

Conditions:
Cardiovascular phenotype. Identifiers: MedGen CN230736.
Danon disease. Also called: PSEUDOGLYCOGENOSIS II; GSD IIb; LYSOSOMAL GLYCOGEN STORAGE DISEASE WITHOUT ACID MALTASE DEFICIENCY; ANTOPOL DISEASE; Glycogen Storage Disease Type IIb. Identifiers: Orphanet 34587, MedGen C0878677, MONDO:0010281, OMIM 300257.

Submissions (2):

Labcorp Genetics (formerly Invitae), Labcorp
Classification: Pathogenic for Danon disease. Last evaluated: 2024-10-18. Review status: criteria provided, single submitter. Criteria: Invitae Variant Classification Sherloc (09022015). Collection method: clinical testing. Allele origin: germline.
Comment: This sequence change creates a premature translational stop signal (p.Cys232*) in the LAMP2 gene. It is expected to result in an absent or disrupted protein product. Loss-of-function variants in LAMP2 are known to be pathogenic (PMID: 21415759). This variant is not present in population databases (gnomAD no frequency). This variant has not been reported in the literature in individuals affected with LAMP2-related conditions. ClinVar contains an entry for this variant (Variation ID: 463159). For these reasons, this variant has been classified as Pathogenic.

Ambry Genetics
Classification: Pathogenic for Cardiovascular phenotype. Last evaluated: 2023-01-03. Review status: criteria provided, single submitter. Criteria: Ambry Variant Classification Scheme 2023. Collection method: clinical testing. Allele origin: germline.
Comment: The p.C232* pathogenic mutation (also known as c.696T>A), located in coding exon 5 of the LAMP2 gene, results from a T to A substitution at nucleotide position 696. This changes the amino acid from a cysteine to a stop codon within coding exon 5. This variant is considered to be rare based on population cohorts in the Genome Aggregation Database (gnomAD). This alteration is expected to result in loss of function by premature protein truncation or nonsense-mediated mRNA decay. As such, this alteration is interpreted as a disease-causing mutation.

Literature cited by the submitters: PubMed 21415759 (cited by Labcorp Genetics (formerly Invitae), Labcorp).

NM_002294.3(LAMP2):c.696T>A (p.Cys232Ter)

Gene: LAMP2 (lysosome associated membrane protein 2; minus strand). Cytogenetic location: Xq24.
Variant type: single nucleotide variant.
Coding change: c.696T>A on transcript NM_002294.3 (MANE Select); coding-DNA position 696, T replaced by A.
Protein change: p.Cys232Ter; replaces cysteine 232 with a stop codon.
Molecular consequence: nonsense.
Genome position (GRCh38, 1-based): chrX:120,447,886, A>T on the plus strand (T>A on the coding strand, the complement: LAMP2 is on the minus strand). VCF-style: chrX-120447886-A-T. GRCh37 (hg19) VCF-style: chrX-119581741-A-T.
Other names: c.696T>A, p.Cys232Ter (NM_001122606.1, NM_013995.2); short protein forms C232*.
Identifiers: ClinVar variation 463159 (VCV000463159.11), dbSNP rs1556101523, ClinGen allele CA414401297.
Genomic context (GRCh38, chrX:120,447,886, plus strand): 5'-GATAGACACCTATACCTTATCCTGAGTGATGTTCAGCTGCAGCCCCATGGTAGCCAGCAG[A>T]CAAGTATCATTGCCATTATTAACTGAATAGGTTCCAGCTTCTGGTTTTTCCTTTGGAGTA-3'